The following is an entry in ClinVar:

ClinVar aggregate classification (germline): Likely benign (1 of 4 stars; one submission).

Conditions:
MYO7A-related disorder. Also called: MYO7A-related disorders.

gnomAD v4.1: 53 of 1,560,968 alleles (0.0034%); highest among the groups gnomAD compares: South Asian, 0.014%; no homozygotes.

Submission:

PreventionGenetics, part of Exact Sciences
Classification: Likely benign for MYO7A-related condition. Last evaluated: 2026-09-09. Review status: criteria provided, single submitter. Criteria: ACMG Guidelines, 2015. Collection method: clinical testing. Allele origin: germline.
Comment: This variant is classified as likely benign based on ACMG/AMP sequence variant interpretation guidelines (Richards et al. 2015 PMID: 25741868, with internal and published modifications).

NM_000260.4(MYO7A):c.*9G>A

Gene: MYO7A (myosin VIIA; plus strand). Cytogenetic location: 11q13.5.
Variant type: single nucleotide variant.
Coding change: c.*9G>A on transcript NM_000260.4 (MANE Select); 9 bases downstream of the stop codon, G replaced by A.
Molecular consequence: 3 prime UTR variant.
Genome position (GRCh38, 1-based): chr11:77,214,705, G>A. VCF-style: chr11-77214705-G-A. GRCh37 (hg19) VCF-style: chr11-76925750-G-A.
Other names: c.*9G>A (NM_001127180.2, NM_001369365.1).
Identifiers: ClinVar variation 4981155 (VCV004981155.1).